The following is an entry in ClinVar:

ClinVar aggregate classification (germline): Pathogenic (1 of 4 stars; one submission).

Conditions:
Hereditary breast ovarian cancer syndrome. Also called: Hereditary breast and ovarian cancer; Hereditary breast and ovarian cancer syndrome (HBOC); Breast and ovarian cancer; Hereditary breast and ovarian cancer syndrome; Hereditary breast and/or ovarian cancer syndrome; BRCA1- and BRCA2-Associated Hereditary Breast and Ovarian Cancer. Identifiers: Orphanet 145, MedGen C0677776, MeSH D061325, MONDO:0003582. Disease mechanism: loss of function.

Submission:

Labcorp Genetics (formerly Invitae), Labcorp
Classification: Pathogenic for Hereditary breast ovarian cancer syndrome. Last evaluated: 2023-12-18. Review status: criteria provided, single submitter. Criteria: Invitae Variant Classification Sherloc (09022015). Collection method: clinical testing. Allele origin: germline.
Comment: This sequence change creates a premature translational stop signal (p.Ser2243*) in the BRCA2 gene. It is expected to result in an absent or disrupted protein product. Loss-of-function variants in BRCA2 are known to be pathogenic (PMID: 20104584). This variant is not present in population databases (gnomAD no frequency). This variant has not been reported in the literature in individuals affected with BRCA2-related conditions. ClinVar contains an entry for this variant (Variation ID: 1455944). For these reasons, this variant has been classified as Pathogenic.

Literature cited by the submitters: PubMed 20104584.

NM_000059.4(BRCA2):c.6728_6730del (p.Ser2243_Lys2244delinsTer)

Gene: BRCA2 (BRCA2 DNA repair associated; plus strand). Cytogenetic location: 13q13.1.
Variant type: Deletion.
Coding change: c.6728_6730del on transcript NM_000059.4 (MANE Select); coding-DNA positions 6728 to 6730, 3 bases deleted (CTA; older notation c.6728_6730delCTA).
Protein change: p.Ser2243_Lys2244delinsTer.
Molecular consequence: nonsense.
Genome position (GRCh38, 1-based): chr13:32,341,083-32,341,085, CTA deleted. VCF-style (leftmost placement, unchanged base first): chr13-32341082-TCTA-T. GRCh37 (hg19) VCF-style: chr13-32915219-TCTA-T.
Identifiers: ClinVar variation 1455944 (VCV001455944.6), dbSNP rs2137530192, ClinGen allele CA2573149196.